The following is an entry in ClinVar:

ClinVar aggregate classification (germline): Pathogenic (1 of 4 stars; one submission).

Submission:

GeneDx
Classification: Pathogenic. Last evaluated: 2026-07-24. Review status: criteria provided, single submitter. Criteria: GeneDx Variant Classification Process June 2021. Collection method: clinical testing. Allele origin: germline.
Comment: Not observed at significant frequency in large population cohorts (gnomAD); In silico analysis supports that this missense variant has a deleterious effect on protein structure/function; Has not been previously published as pathogenic or benign to our knowledge

NM_001127644.2(GABRA1):c.1018A>G (p.Arg340Gly)

Gene: GABRA1 (gamma-aminobutyric acid type A receptor subunit alpha1; plus strand). Cytogenetic location: 5q34.
Variant type: single nucleotide variant.
Coding change: c.1018A>G on transcript NM_001127644.2 (MANE Select); coding-DNA position 1018, A replaced by G.
Protein change: p.Arg340Gly; replaces arginine 340 with glycine.
Molecular consequence: missense variant.
Genome position (GRCh38, 1-based): chr5:161,895,827, A>G. VCF-style: chr5-161895827-A-G. GRCh37 (hg19) VCF-style: chr5-161322833-A-G.
Other names: c.1018A>G, p.Arg340Gly (NM_000806.5, NM_001127643.2, NM_001127645.2 and 1 more transcripts); short protein forms R340G.
Identifiers: ClinVar variation 1338878 (VCV001338878.3), dbSNP rs2113464981, ClinGen allele CA362180419.